The following is an entry in ClinVar:

NM_013447.4(ADGRE2):c.4G>A (p.Gly2Arg)

Gene: ADGRE2 (adhesion G protein-coupled receptor E2; minus strand). Cytogenetic location: 19p13.12.
Variant type: single nucleotide variant.
Coding change: c.4G>A on transcript NM_013447.4 (MANE Select); coding-DNA position 4, G replaced by A.
Protein change: p.Gly2Arg; replaces glycine 2 with arginine.
Molecular consequence: missense variant.
Genome position (GRCh38, 1-based): chr19:14,776,753, C>T on the plus strand (G>A on the coding strand, the complement: ADGRE2 is on the minus strand). VCF-style: chr19-14776753-C-T. GRCh37 (hg19) VCF-style: chr19-14887565-C-T.
Other names: c.4G>A, p.Gly2Arg (NM_001271052.1, NM_152916.2, NM_152917.2); short protein forms G2R.
Identifiers: ClinVar variation 2834855 (VCV002834855.3), dbSNP rs768019293, ClinGen allele CA404466792.

ClinVar aggregate classification (germline): Uncertain significance (1 of 4 stars; one submission).

Submission:

Labcorp Genetics (formerly Invitae), Labcorp
Classification: Uncertain significance. Last evaluated: 2023-02-14. Review status: criteria provided, single submitter. Criteria: Invitae Variant Classification Sherloc (09022015). Collection method: clinical testing. Allele origin: germline.
Comment: In summary, the available evidence is currently insufficient to determine the role of this variant in disease. Therefore, it has been classified as a Variant of Uncertain Significance. Algorithms developed to predict the effect of missense changes on protein structure and function are either unavailable or do not agree on the potential impact of this missense change (SIFT: "Deleterious"; PolyPhen-2: "Benign"; Align-GVGD: "Class C0"). This sequence change replaces glycine, which is neutral and non-polar, with arginine, which is basic and polar, at codon 2 of the ADGRE2 protein (p.Gly2Arg). This variant is not present in population databases (gnomAD no frequency). This variant has not been reported in the literature in individuals affected with ADGRE2-related conditions.